The following is an entry in ClinVar:

ClinVar aggregate classification (germline): Uncertain significance. Review status: criteria provided, multiple submitters, no conflicts (2 of 4 stars). 2 submissions from 2 submitters: Uncertain significance (2). Last evaluated 2025-07-16.

gnomAD v4.1: 13 of 1,210,330 alleles (0.0011%); highest among the groups gnomAD compares: African/African-American, 0.023%; no homozygotes.

Submissions (2):

Labcorp Genetics (formerly Invitae), Labcorp
Classification: Uncertain significance. Last evaluated: 2025-07-16. Review status: criteria provided, single submitter. Criteria: Invitae Variant Classification Sherloc (09022015). Collection method: clinical testing. Allele origin: germline.
Comment: This sequence change replaces glutamic acid, which is acidic and polar, with glutamine, which is neutral and polar, at codon 291 of the TLR7 protein (p.Glu291Gln). This variant is present in population databases (rs747349276, gnomAD 0.03%). This variant has not been reported in the literature in individuals affected with TLR7-related conditions. ClinVar contains an entry for this variant (Variation ID: 3326430). An algorithm developed to predict the effect of missense changes on protein structure and function outputs the following: PolyPhen-2: "Benign". The glutamine amino acid residue is found in multiple mammalian species, which suggests that this missense change does not adversely affect protein function. In summary, the available evidence is currently insufficient to determine the role of this variant in disease. Therefore, it has been classified as a Variant of Uncertain Significance.

Ambry Genetics
Classification: Uncertain significance. Last evaluated: 2024-06-17. Review status: criteria provided, single submitter. Criteria: Ambry Variant Classification Scheme 2023. Collection method: clinical testing. Allele origin: germline.

NM_016562.4(TLR7):c.871G>C (p.Glu291Gln)

Gene: TLR7 (toll like receptor 7; plus strand). Cytogenetic location: Xp22.2.
Variant type: single nucleotide variant.
Coding change: c.871G>C on transcript NM_016562.4 (MANE Select); coding-DNA position 871, G replaced by C.
Protein change: p.Glu291Gln; replaces glutamic acid 291 with glutamine.
Molecular consequence: missense variant.
Genome position (GRCh38, 1-based): chrX:12,886,379, G>C. VCF-style: chrX-12886379-G-C. GRCh37 (hg19) VCF-style: chrX-12904498-G-C.
Other names: short protein forms E291Q.
Identifiers: ClinVar variation 3326430 (VCV003326430.2).